The following is an entry in ClinVar:

ClinVar aggregate classification (germline): Uncertain significance (1 of 4 stars; one submission).

Conditions:
Hypertrophic cardiomyopathy. Also called: HYPERTROPHIC MYOCARDIOPATHY. Identifiers: Orphanet 217569, MedGen C0007194, MeSH D002312, MONDO:0005045, HP:0001639.

gnomAD v4.1: 1 of 1,613,894 alleles (0.000062%); highest among the groups gnomAD compares: African/African-American, 0.0013%; no homozygotes.

Submission:

Labcorp Genetics (formerly Invitae), Labcorp
Classification: Uncertain significance for Hypertrophic cardiomyopathy. Last evaluated: 2025-11-03. Review status: criteria provided, single submitter. Criteria: Invitae Variant Classification Sherloc (09022015). Collection method: clinical testing. Allele origin: germline.
Comment: This sequence change replaces alanine, which is neutral and non-polar, with valine, which is neutral and non-polar, at codon 20 of the MYL3 protein (p.Ala20Val). This variant is present in population databases (no rsID available, gnomAD 0.01%). This variant has not been reported in the literature in individuals affected with MYL3-related conditions. Experimental studies and prediction algorithms are not available or were not evaluated, and the functional significance of this variant is currently unknown. In summary, the available evidence is currently insufficient to determine the role of this variant in disease. Therefore, it has been classified as a Variant of Uncertain Significance.

NM_000258.3(MYL3):c.59C>T (p.Ala20Val)

Gene: MYL3 (myosin light chain 3; minus strand). Cytogenetic location: 3p21.31.
Variant type: single nucleotide variant.
Coding change: c.59C>T on transcript NM_000258.3 (MANE Select); coding-DNA position 59, C replaced by T.
Protein change: p.Ala20Val; replaces alanine 20 with valine.
Molecular consequence: missense variant.
Genome position (GRCh38, 1-based): chr3:46,863,332, G>A on the plus strand (C>T on the coding strand, the complement: MYL3 is on the minus strand). VCF-style: chr3-46863332-G-A. GRCh37 (hg19) VCF-style: chr3-46904822-G-A.
Other names: c.59C>T, p.Ala20Val (NM_001406937.1, NM_001406938.1, NM_001406939.1); short protein forms A20V.
Identifiers: ClinVar variation 4808953 (VCV004808953.1).